The following is an entry in ClinVar:

NM_015375.3(DSTYK):c.857C>T (p.Ser286Leu)

Gene: DSTYK (dual serine/threonine and tyrosine protein kinase; minus strand). Cytogenetic location: 1q32.1.
Variant type: single nucleotide variant.
Coding change: c.857C>T on transcript NM_015375.3 (MANE Select); coding-DNA position 857, C replaced by T.
Protein change: p.Ser286Leu; replaces serine 286 with leucine.
Molecular consequence: missense variant.
Genome position (GRCh38, 1-based): chr1:205,169,630, G>A on the plus strand (C>T on the coding strand, the complement: DSTYK is on the minus strand). VCF-style: chr1-205169630-G-A. GRCh37 (hg19) VCF-style: chr1-205138758-G-A.
Other names: c.857C>T (NM_015375.2); c.857C>T, p.Ser286Leu (NM_199462.3); short protein forms S286L.
Identifiers: ClinVar variation 2982194 (VCV002982194.4), dbSNP rs370244638, ClinGen allele CA1352946.
Genomic context (GRCh38, chr1:205,169,630, plus strand): 5'-TGGCGATAAAGCGGTGATCTTTCGCTCTCCATTCTCCTGGTTGAGGAGTCTATTATCTCC[G>A]AGCCCAGTTTCGGCACTTTGAAAAAGAATACAGGAAAGGAGAAATACTTTCGGATTTCCT-3'
Protein context (NP_056190.1, residues 276-296): VFFFKVPKLG[Ser286Leu]EIIDSSTRRM

ClinVar aggregate classification (germline): Uncertain significance. Review status: criteria provided, multiple submitters, no conflicts (2 of 4 stars). 2 submissions from 2 submitters: Uncertain significance (2). Last evaluated 2024-11-25.

Allele frequency attached by ClinVar (database versions not stated): ExAC 0.00001; TOPMed 0.00002; gnomAD 0.00003; ESP Exome Variant Server 0.00008.
gnomAD v4.1: 14 of 1,614,036 alleles (0.00087%); highest among the groups gnomAD compares: Admixed American, 0.0067%; no homozygotes.

Submissions (2):

Labcorp Genetics (formerly Invitae), Labcorp
Classification: Uncertain significance. Last evaluated: 2024-11-25. Review status: criteria provided, single submitter. Criteria: Invitae Variant Classification Sherloc (09022015). Collection method: clinical testing. Allele origin: germline.
Comment: This sequence change replaces serine, which is neutral and polar, with leucine, which is neutral and non-polar, at codon 286 of the DSTYK protein (p.Ser286Leu). This variant is present in population databases (rs370244638, gnomAD 0.01%). This variant has not been reported in the literature in individuals affected with DSTYK-related conditions. ClinVar contains an entry for this variant (Variation ID: 2982194). An algorithm developed to predict the effect of missense changes on protein structure and function (PolyPhen-2) suggests that this variant is likely to be tolerated. In summary, the available evidence is currently insufficient to determine the role of this variant in disease. Therefore, it has been classified as a Variant of Uncertain Significance.

Ambry Genetics
Classification: Uncertain significance. Last evaluated: 2024-02-28. Review status: criteria provided, single submitter. Criteria: Ambry Variant Classification Scheme 2023. Collection method: clinical testing. Allele origin: germline.